The following is an entry in ClinVar:

ClinVar aggregate classification (germline): Likely pathogenic (1 of 4 stars; one submission).

Submission:

Dasa
Classification: Likely pathogenic. Last evaluated: 2025-07-08. Review status: criteria provided, single submitter. Criteria: DASA Assertion Criteria. Collection method: clinical testing. Allele origin: germline.
Comment: NM_178857.6(RP1L1):c.3109del (p.Gln1037Asnfs*34) is a frameshift variant in RP1L1 predicted to alter the reading frame and introduce a premature termination codon and is predicted to result in an absent or altered protein product. Loss of function is an established disease mechanism for RP1L1-associated disorders. Also, this variant is absent from population databases. Based on the currently available evidence, this variant is classified as likely pathogenic.

NM_178857.6(RP1L1):c.3109del (p.Gln1037fs)

Gene: RP1L1 (RP1 like 1). Cytogenetic location: 8p23.1.
Variant type: Deletion.
Coding change: c.3109del on transcript NM_178857.6 (MANE Select); coding-DNA position 3109, one base deleted.
Protein change: p.Gln1037fs; shifts the reading frame from glutamine 1037.
Molecular consequence: frameshift variant.
Genome position: GRCh38 VCF-style: chr8-10610988-TG-T. GRCh37 (hg19) VCF-style: chr8-10468498-TG-T.
Other names: short protein forms Q1037fs.
Identifiers: ClinVar variation 4884268 (VCV004884268.2).